The following is an entry in ClinVar:

NM_024598.4(USB1):c.94C>T (p.Arg32Cys)

Genes: USB1 (U6 snRNA biogenesis phosphodiesterase 1; plus strand), LOC130059131 (ATAC-STARR-seq lymphoblastoid active region 10920; plus strand). Cytogenetic location: 16q21.
Variant type: single nucleotide variant.
Coding change: c.94C>T on transcript NM_024598.4 (MANE Select); coding-DNA position 94, C replaced by T.
Protein change: p.Arg32Cys; replaces arginine 32 with cysteine.
Molecular consequence: missense variant. On other transcripts: intron variant (1).
Genome position (GRCh38, 1-based): chr16:58,001,577, C>T. VCF-style: chr16-58001577-C-T. GRCh37 (hg19) VCF-style: chr16-58035481-C-T.
Other names: c.94C>T, p.Arg32Cys (NM_001195302.2, NM_001204911.2, NM_001330569.2); c.-55-902C>T (NM_001330568.2); short protein forms R32C.
Identifiers: ClinVar variation 3466492 (VCV003466492.1).

ClinVar aggregate classification (germline): Uncertain significance (1 of 4 stars; one submission).

Conditions:
Inborn genetic diseases. Identifiers: MedGen C0950123, MeSH D030342.

gnomAD v4.1: 2 of 1,605,438 alleles (0.00012%); highest among the groups gnomAD compares: African/African-American, 0.0027%; no homozygotes.

Submission:

Ambry Genetics
Classification: Uncertain significance for Inborn genetic diseases. Last evaluated: 2024-12-07. Review status: criteria provided, single submitter. Criteria: Ambry Variant Classification Scheme 2023. Collection method: clinical testing. Allele origin: germline.
Comment: The p.R32C variant (also known as c.94C>T), located in coding exon 1 of the USB1 gene, results from a C to T substitution at nucleotide position 94. The arginine at codon 32 is replaced by cysteine, an amino acid with highly dissimilar properties. This amino acid position is conserved. In addition, this alteration is predicted to be tolerated by in silico analysis. Based on the available evidence, the clinical significance of this variant remains unclear.